The following is an entry in ClinVar:

NC_000023.10:g.(32459432_32466572)_(32503217_32509393)del

Gene: DMD (dystrophin; minus strand). Cytogenetic location: Xp21.1.
Variant type: Deletion.
Identifiers: ClinVar variation 1878312 (VCV001878312.1).

ClinVar aggregate classification (germline): Likely pathogenic (1 of 4 stars; one submission).

Conditions:
Neuromuscular disease caused by qualitative or quantitative defects of dystrophin. Also called: Qualitative or quantitative defects of dystrophin. Identifiers: Orphanet 207085, MedGen C5679787, MONDO:0016147.

Submission:

Women's Health and Genetics/Laboratory Corporation of America, LabCorp
Classification: Likely pathogenic for Neuromuscular disease caused by qualitative or quantitative defects of dystrophin. Last evaluated: 2022-12-15. Review status: criteria provided, single submitter. Criteria: LabCorp Variant Classification Summary - May 2015. Collection method: clinical testing. Allele origin: germline.
Comment: Variant summary: The variant identified by MLPA or other technology involves the deletion of exons 21-27 in the DMD gene. A presumed nomenclature of c.(2622+1_2623-1)_(3786+1_3787-1)del has been designated for the purposes of this classification. Although exact breakpoints of this deletion are not known, it is expected to result in a large in-frame deletion change in the DMD gene, with the removal of 388 amino acids (p.Asp874_Glu1262del), affecting spectrin repeats 5 to 8 in the central rod domain (UniProt). The variant was absent in 16120 control chromosomes (gnomAD database, structural variants dataset). To our knowledge, no occurrence of c.(2622+1_2623-1)_(3786+1_3787-1)del in individuals affected with Dystrophinopathies and no experimental evidence demonstrating its impact on protein function have been reported. However, several smaller in-frame deletions within the region of our variant are reported in individuals affected with Duchenne- or Becker muscular dystrophy, in addition several variants affecting the splice sites of symmetric exons (i.e. E23-27) within the region of this deletion are also reported in affected individuals (HGMD). No clinical diagnostic laboratories have submitted clinical-significance assessments for this variant to ClinVar after 2014. Based on the evidence outlined above, the variant was classified as likely pathogenic.